The following is an entry in ClinVar:

ClinVar aggregate classification (germline): Uncertain significance (1 of 4 stars; one submission).

Conditions:
Charcot-Marie-Tooth disease dominant intermediate B (CMTDIB). Also called: CHARCOT-MARIE-TOOTH NEUROPATHY, DOMINANT INTERMEDIATE B; Charcot-Marie-Tooth disease dominant intermediate 1; CMT DI1; Charcot-Marie-Tooth disease dominant intermediate I. Identifiers: Orphanet 100044, Orphanet 228179, MedGen C1847902, MONDO:0011674, OMIM 606482.

Allele frequency attached by ClinVar (database versions not stated): gnomAD exomes below 0.00001.
gnomAD v4.1: 4 of 1,498,742 alleles (0.00027%); highest among the groups gnomAD compares: Non-Finnish European, 0.00036%; no homozygotes.

Submission:

Labcorp Genetics (formerly Invitae), Labcorp
Classification: Uncertain significance for Charcot-Marie-Tooth disease dominant intermediate B. Last evaluated: 2022-06-13. Review status: criteria provided, single submitter. Criteria: Invitae Variant Classification Sherloc (09022015). Collection method: clinical testing. Allele origin: germline.
Comment: In summary, the available evidence is currently insufficient to determine the role of this variant in disease. Therefore, it has been classified as a Variant of Uncertain Significance. Algorithms developed to predict the effect of missense changes on protein structure and function are either unavailable or do not agree on the potential impact of this missense change (SIFT: "Deleterious"; PolyPhen-2: "Probably Damaging"; Align-GVGD: "Class C0"). This variant has not been reported in the literature in individuals affected with DNM2-related conditions. This variant is not present in population databases (gnomAD no frequency). This sequence change replaces asparagine, which is neutral and polar, with serine, which is neutral and polar, at codon 14 of the DNM2 protein (p.Asn14Ser).

NM_001005361.3(DNM2):c.41A>G (p.Asn14Ser)

Genes: DNM2 (dynamin 2; plus strand), LOC130063529 (ATAC-STARR-seq lymphoblastoid silent region 10090; plus strand). Cytogenetic location: 19p13.2.
Variant type: single nucleotide variant.
Coding change: c.41A>G on transcript NM_001005361.3 (MANE Select); coding-DNA position 41, A replaced by G.
Protein change: p.Asn14Ser; replaces asparagine 14 with serine.
Molecular consequence: missense variant.
Genome position (GRCh38, 1-based): chr19:10,718,283, A>G. VCF-style: chr19-10718283-A-G. GRCh37 (hg19) VCF-style: chr19-10828959-A-G.
Other names: c.41A>G, p.Asn14Ser (NM_001005360.3, NM_001005362.3, NM_001190716.2 and 1 more transcripts); short protein forms N14S.
Identifiers: ClinVar variation 1510665 (VCV001510665.8), dbSNP rs2145637630, ClinGen allele CA404046476.